The following is an entry in ClinVar:

ClinVar aggregate classification (germline): Uncertain significance (1 of 4 stars; one submission).

Submission:

Women's Health and Genetics/Laboratory Corporation of America, LabCorp
Classification: Uncertain significance. Last evaluated: 2025-07-22. Review status: criteria provided, single submitter. Criteria: LabCorp Variant Classification Summary - May 2015. Collection method: clinical testing. Allele origin: germline.
Comment: Variant summary: DYNC2H1 c.10592T>C (p.Leu3531Pro) results in a non-conservative amino acid change in the encoded protein sequence. Algorithms developed to predict the effect of missense changes on protein structure and function all suggest that this variant is likely to be disruptive. The frequency data for this variant in gnomAD is considered unreliable, as metrics indicate poor data quality at this position. c.10592T>C has been observed in individual(s) affected with Jeune syndrome/Asphyxiating thoracic dystrophy (example: Emiralioglu_2017 ). These report(s) do not provide unequivocal conclusions about association of the variant with Short-rib thoracic dysplasia. To our knowledge, no experimental evidence demonstrating an impact on protein function has been reported. The following publication has been ascertained in the context of this evaluation (PMID: 28257607). No submitters have cited clinical-significance assessments for this variant to ClinVar. Based on the evidence outlined above, the variant was classified as uncertain significance.

Literature cited by the submitters: PubMed 28257607.

NM_001377.3(DYNC2H1):c.10571T>C (p.Leu3524Pro)

Gene: DYNC2H1 (dynein cytoplasmic 2 heavy chain 1; plus strand). Cytogenetic location: 11q22.3.
Variant type: single nucleotide variant.
Coding change: c.10571T>C on transcript NM_001377.3 (MANE Select); coding-DNA position 10571, T replaced by C.
Protein change: p.Leu3524Pro; replaces leucine 3524 with proline.
Molecular consequence: missense variant.
Genome position (GRCh38, 1-based): chr11:103,257,717, T>C. VCF-style: chr11-103257717-T-C. GRCh37 (hg19) VCF-style: chr11-103128446-T-C.
Other names: c.10592T>C, p.Leu3531Pro (NM_001080463.2); short protein forms L3524P, L3531P.
Identifiers: ClinVar variation 4526281 (VCV004526281.1).